The following is an entry in ClinVar:

NM_000051.4(ATM):c.3313T>A (p.Ser1105Thr)

Gene: ATM (ATM serine/threonine kinase; plus strand). Cytogenetic location: 11q22.3.
Variant type: single nucleotide variant.
Coding change: c.3313T>A on transcript NM_000051.4 (MANE Select); coding-DNA position 3313, T replaced by A.
Protein change: p.Ser1105Thr; replaces serine 1105 with threonine.
Molecular consequence: missense variant.
Genome position (GRCh38, 1-based): chr11:108,279,519, T>A. VCF-style: chr11-108279519-T-A. GRCh37 (hg19) VCF-style: chr11-108150246-T-A.
Other names: c.3313T>A, p.Ser1105Thr (NM_001351834.2); short protein forms S1105T.
Identifiers: ClinVar variation 4747197 (VCV004747197.1).

ClinVar aggregate classification (germline): Uncertain significance (1 of 4 stars; one submission).

Conditions:
Ataxia-telangiectasia syndrome (AT). Also called: Ataxia-telangiectasia, complementation group D; AT, COMPLEMENTATION GROUP C; Ataxia-telangiectasia; Ataxia telangiectasia (A-T); LOUIS-BAR SYNDROME; Cerebello-oculocutaneous telangiectasia. Identifiers: Orphanet 100, MedGen C0004135, MONDO:0008840, OMIM 208900.

Submission:

Labcorp Genetics (formerly Invitae), Labcorp
Classification: Uncertain significance for Ataxia-telangiectasia syndrome. Last evaluated: 2025-12-17. Review status: criteria provided, single submitter. Criteria: Invitae Variant Classification Sherloc (09022015). Collection method: clinical testing. Allele origin: germline.
Comment: This sequence change replaces serine, which is neutral and polar, with threonine, which is neutral and polar, at codon 1105 of the ATM protein (p.Ser1105Thr). This variant is not present in population databases (gnomAD no frequency). This variant has not been reported in the literature in individuals affected with ATM-related conditions. Invitae Evidence Modeling of protein sequence and biophysical properties (such as structural, functional, and spatial information, amino acid conservation, physicochemical variation, residue mobility, and thermodynamic stability) indicates that this missense variant is not expected to disrupt ATM protein function with a negative predictive value of 95%. In summary, the available evidence is currently insufficient to determine the role of this variant in disease. Therefore, it has been classified as a Variant of Uncertain Significance.